The following is an entry in ClinVar:

NM_004329.3(BMPR1A):c.956A>C (p.Asp319Ala)

Gene: BMPR1A (bone morphogenetic protein receptor type 1A; plus strand). Cytogenetic location: 10q23.2.
Variant type: single nucleotide variant.
Coding change: c.956A>C on transcript NM_004329.3 (MANE Select); coding-DNA position 956, A replaced by C.
Protein change: p.Asp319Ala; replaces aspartic acid 319 with alanine.
Molecular consequence: missense variant. On other transcripts: non-coding transcript variant (3).
Genome position (GRCh38, 1-based): chr10:86,919,259, A>C. VCF-style: chr10-86919259-A-C. GRCh37 (hg19) VCF-style: chr10-88679016-A-C.
Other names: c.1031A>C, p.Asp344Ala (NM_001406559.1); c.1004A>C, p.Asp335Ala (NM_001406560.1); c.956A>C, p.Asp319Ala (NM_001406561.1, NM_001406562.1, NM_001406563.1 and 19 more transcripts); c.950A>C, p.Asp317Ala (NM_001406583.1); c.872A>C, p.Asp291Ala (NM_001406584.1, NM_001406585.1, NM_001406586.1 and 2 more transcripts); c.614A>C, p.Asp205Ala (NM_001406589.1); short protein forms D205A, D291A, D335A, D344A, D317A, D319A.
Identifiers: ClinVar variation 3992017 (VCV003992017.2).

ClinVar aggregate classification (germline): Uncertain significance (1 of 4 stars; one submission).

Conditions:
Hereditary cancer-predisposing syndrome. Also called: Neoplastic Syndromes, Hereditary; Tumor predisposition; Hereditary Cancer Syndrome; Hereditary neoplastic syndrome. Identifiers: Orphanet 140162, MedGen C0027672, MeSH D009386, MONDO:0015356.

Submission:

Ambry Genetics
Classification: Uncertain significance for Hereditary cancer-predisposing syndrome. Last evaluated: 2026-04-17. Review status: criteria provided, single submitter. Criteria: Ambry Variant Classification Scheme 2023. Collection method: clinical testing. Allele origin: germline.
Comment: The p.D319A variant (also known as c.956A>C), located in coding exon 8 of the BMPR1A gene, results from an A to C substitution at nucleotide position 956. The aspartic acid at codon 319 is replaced by alanine, an amino acid with dissimilar properties. This amino acid position is highly conserved in available vertebrate species. In addition, this alteration is predicted to be deleterious by in silico analysis. Based on the available evidence, the clinical significance of this variant remains unclear.